The following is an entry in ClinVar:

NM_004239.4(TRIP11):c.76C>A (p.Leu26Ile)

Gene: TRIP11 (thyroid hormone receptor interactor 11; minus strand). Cytogenetic location: 14q32.12.
Variant type: single nucleotide variant.
Coding change: c.76C>A on transcript NM_004239.4 (MANE Select); coding-DNA position 76, C replaced by A.
Protein change: p.Leu26Ile; replaces leucine 26 with isoleucine.
Molecular consequence: missense variant.
Genome position (GRCh38, 1-based): chr14:92,039,610, G>T on the plus strand (C>A on the coding strand, the complement: TRIP11 is on the minus strand). VCF-style: chr14-92039610-G-T. GRCh37 (hg19) VCF-style: chr14-92505954-G-T.
Other names: c.76C>A, p.Leu26Ile (NM_001321851.1); short protein forms L26I.
Identifiers: ClinVar variation 4808996 (VCV004808996.1).
Genomic context (GRCh38, chr14:92,039,610, plus strand): 5'-CCACTTCCTCCGTGCCCTCCATCAGCATATCCTTTGTAAAGTTTGATATCTGGCCAGTGA[G>T]GGAAGCCAGGCTGCCCCCGACTTGACCCAGAGACTGGCCCAATCCGGAGCCGAGGCCCCC-3'
Protein context (NP_004230.2, residues 16-36): LGQVGGSLAS[Leu26Ile]TGQISNFTKD

ClinVar aggregate classification (germline): Uncertain significance (1 of 4 stars; one submission).

Conditions:
Achondrogenesis, type IA (ACG1A). Identifiers: Orphanet 932, Orphanet 93299, MedGen C0265273, MONDO:0008701, OMIM 200600.

gnomAD v4.1: 1 of 1,613,344 alleles (0.000062%); highest among the groups gnomAD compares: Non-Finnish European, 0.000085%; no homozygotes.

Submission:

Labcorp Genetics (formerly Invitae), Labcorp
Classification: Uncertain significance for Achondrogenesis, type IA. Last evaluated: 2025-10-19. Review status: criteria provided, single submitter. Criteria: Invitae Variant Classification Sherloc (09022015). Collection method: clinical testing. Allele origin: germline.
Comment: This sequence change replaces leucine, which is neutral and non-polar, with isoleucine, which is neutral and non-polar, at codon 26 of the TRIP11 protein (p.Leu26Ile). This variant is not present in population databases (gnomAD no frequency). This variant has not been reported in the literature in individuals affected with TRIP11-related conditions. Invitae Evidence Modeling of protein sequence and biophysical properties (such as structural, functional, and spatial information, amino acid conservation, physicochemical variation, residue mobility, and thermodynamic stability) indicates that this missense variant is not expected to disrupt TRIP11 protein function with a negative predictive value of 80%. In summary, the available evidence is currently insufficient to determine the role of this variant in disease. Therefore, it has been classified as a Variant of Uncertain Significance.